The following is an entry in ClinVar:

ClinVar aggregate classification (germline): not provided (0 of 4 stars; one submission).

Conditions:
Alloalbuminemia. Identifiers: MedGen CN220290.

Allele frequency attached by ClinVar (database versions not stated): TOPMed 0.00001.

Submission:

ClinVar Staff, National Center for Biotechnology Information (NCBI)
No classification provided. Review status: no classification provided. Collection method: not provided. Allele origin: unknown.
Comment: Low stability (2% of the total albumin)

NM_000477.7(ALB):c.1786-15T>A

Gene: ALB (albumin; plus strand). Cytogenetic location: 4q13.3.
Variant type: single nucleotide variant.
Coding change: c.1786-15T>A on transcript NM_000477.7 (MANE Select); 15 bases into the intron before coding-DNA position 1786, T replaced by A.
Molecular consequence: intron variant.
Genome position (GRCh38, 1-based): chr4:73,420,239, T>A. VCF-style: chr4-73420239-T-A. GRCh37 (hg19) VCF-style: chr4-74285956-T-A.
Other names: Albumin Banks Peninsula.
Identifiers: ClinVar variation 156317 (VCV000156317.1), dbSNP rs78342924, ClinGen allele CA170824.
Genomic context (GRCh38, chr4:73,420,239, plus strand): 5'-CTTCATAAATGTTAATTTTGTATCCTAATAGTAATGCTAATATTTTCCTAACATCTGTCA[T>A]GTCTTTGTGTTCAGGGTAAAAAACTTGTTGCTGCAAGTCAAGCTGCCTTAGGCTTATAAC-3'